The following is an entry in ClinVar:

ClinVar aggregate classification (germline): Uncertain significance. Review status: criteria provided, multiple submitters, no conflicts (2 of 4 stars). 2 submissions from 2 submitters: Uncertain significance (2). Last evaluated 2025-11-11.

Conditions:
Capillary malformation-arteriovenous malformation syndrome. Also called: Capillary malformation-arteriovenous malformation. Identifiers: Orphanet 137667, MedGen C1842180, MONDO:0012016.
Cardiovascular phenotype. Identifiers: MedGen CN230736.

gnomAD v4.1: 4 of 1,610,384 alleles (0.00025%); highest among the groups gnomAD compares: South Asian, 0.0022%; no homozygotes.

Submissions (2):

Labcorp Genetics (formerly Invitae), Labcorp
Classification: Uncertain significance for Capillary malformation-arteriovenous malformation syndrome. Last evaluated: 2025-11-11. Review status: criteria provided, single submitter. Criteria: Invitae Variant Classification Sherloc (09022015). Collection method: clinical testing. Allele origin: germline.
Comment: This sequence change replaces arginine, which is basic and polar, with glycine, which is neutral and non-polar, at codon 427 of the RASA1 protein (p.Arg427Gly). This variant is not present in population databases (gnomAD no frequency). This variant has not been reported in the literature in individuals affected with RASA1-related conditions. ClinVar contains an entry for this variant (Variation ID: 1767305). An algorithm developed to predict the effect of missense changes on protein structure and function (PolyPhen-2) suggests that this variant is likely to be tolerated. In summary, the available evidence is currently insufficient to determine the role of this variant in disease. Therefore, it has been classified as a Variant of Uncertain Significance.

Ambry Genetics
Classification: Uncertain significance for Cardiovascular phenotype. Last evaluated: 2021-03-09. Review status: criteria provided, single submitter. Criteria: Ambry Variant Classification Scheme 2023. Collection method: clinical testing. Allele origin: germline.
Comment: The p.R427G variant (also known as c.1279C>G), located in coding exon 9 of the RASA1 gene, results from a C to G substitution at nucleotide position 1279. The arginine at codon 427 is replaced by glycine, an amino acid with dissimilar properties. This amino acid position is well conserved in available vertebrate species. In addition, the in silico prediction for this alteration is inconclusive. Since supporting evidence is limited at this time, the clinical significance of this alteration remains unclear.

NM_002890.3(RASA1):c.1279C>G (p.Arg427Gly)

Genes: CCNH (cyclin H; minus strand), RASA1 (RAS p21 protein activator 1; plus strand). Cytogenetic location: 5q14.3.
Variant type: single nucleotide variant.
Coding change: c.1279C>G on transcript NM_002890.3 (MANE Select); coding-DNA position 1279, C replaced by G.
Protein change: p.Arg427Gly; replaces arginine 427 with glycine.
Molecular consequence: missense variant. On other transcripts: intron variant (1).
Genome position (GRCh38, 1-based): chr5:87,353,182, C>G. VCF-style: chr5-87353182-C-G. GRCh37 (hg19) VCF-style: chr5-86648999-C-G.
Other names: c.748C>G, p.Arg250Gly (NM_022650.3); c.934-40387G>C (NM_001364075.2); short protein forms R250G, R427G.
Identifiers: ClinVar variation 1767305 (VCV001767305.2), dbSNP rs975191415, ClinGen allele CA360365071.